The following is an entry in ClinVar:

ClinVar aggregate classification (germline): Uncertain significance (1 of 4 stars; one submission).

Conditions:
Cardiovascular phenotype. Identifiers: MedGen CN230736.

Submission:

Ambry Genetics
Classification: Uncertain significance for Cardiovascular phenotype. Last evaluated: 2026-06-14. Review status: criteria provided, single submitter. Criteria: Ambry Variant Classification Scheme 2023. Collection method: clinical testing. Allele origin: germline.
Comment: The p.E2348G variant (also known as c.7043A>G), located in coding exon 31 of the AKAP9 gene, results from an A to G substitution at nucleotide position 7043. The glutamic acid at codon 2348 is replaced by glycine, an amino acid with similar properties. This amino acid position is conserved. In addition, this alteration is predicted to be tolerated by in silico analysis. Based on the available evidence, the clinical significance of this variant remains unclear.

NM_005751.5(AKAP9):c.7043A>G (p.Glu2348Gly)

Gene: AKAP9 (A-kinase anchoring protein 9; plus strand). Cytogenetic location: 7q21.2.
Variant type: single nucleotide variant.
Coding change: c.7043A>G on transcript NM_005751.5 (MANE Select); coding-DNA position 7043, A replaced by G.
Protein change: p.Glu2348Gly; replaces glutamic acid 2348 with glycine.
Molecular consequence: missense variant.
Genome position (GRCh38, 1-based): chr7:92,079,176, A>G. VCF-style: chr7-92079176-A-G. GRCh37 (hg19) VCF-style: chr7-91708490-A-G.
Other names: c.1688A>G, p.Glu563Gly (NM_001379277.1); c.7019A>G, p.Glu2340Gly (NM_147185.3); short protein forms E2340G, E2348G, E563G.
Identifiers: ClinVar variation 4869169 (VCV004869169.1).
Genomic context (GRCh38, chr7:92,079,176, plus strand): 5'-AAACCCAAATAGAATGTTTGATGAGTGATCAAGAATGTGTGAAGAGAAATAGAGAAGAAG[A>G]AATAGAGCAGCTCAATGAAGTGATTGAAAAACTTCAACAGGAATTGGCAAATATTGGACA-3'
Protein context (NP_005742.4, residues 2338-2358): QECVKRNREE[Glu2348Gly]IEQLNEVIEK